The following is an entry in ClinVar:

NM_182961.4(SYNE1):c.19046_19048delinsGA (p.Ser6349_Ala6350delinsTer)

Gene: SYNE1 (spectrin repeat containing nuclear envelope protein 1; minus strand). Cytogenetic location: 6q25.2.
Variant type: Indel.
Coding change: c.19046_19048delinsGA on transcript NM_182961.4 (MANE Select); coding-DNA positions 19046 to 19048, CTG replaced by GA.
Protein change: p.Ser6349_Ala6350delinsTer.
Molecular consequence: nonsense.
Genome position (GRCh38, 1-based): chr6:152,256,690-152,256,692, CAG replaced by TC on the plus strand (CTG replaced by GA on the coding strand, the reverse complement: SYNE1 is on the minus strand). VCF-style: chr6-152256690-CAG-TC. GRCh37 (hg19) VCF-style: chr6-152577825-CAG-TC.
Other names: c.18833_18835delinsGA, p.Ser6278_Ala6279delinsTer (NM_033071.5).
Identifiers: ClinVar variation 1256364 (VCV001256364.1), dbSNP rs2153628887, ClinGen allele CA2499218140.

ClinVar aggregate classification (germline): Pathogenic (1 of 4 stars; one submission).

Submission:

Athena Diagnostics
Classification: Pathogenic. Last evaluated: 2020-11-30. Review status: criteria provided, single submitter. Criteria: Athena Diagnostics criteria. Collection method: clinical testing. Allele origin: unknown.
Comment: This variant is expected to result in the loss of a functional protein. This variant has not been reported in large, multi-ethnic general populations. This variant has been identified in at least one individual with clinical features associated with this gene.